The following is an entry in ClinVar:

NM_018714.3(COG1):c.394T>C (p.Trp132Arg)

Gene: COG1 (component of oligomeric golgi complex 1; plus strand). Cytogenetic location: 17q25.1.
Variant type: single nucleotide variant.
Coding change: c.394T>C on transcript NM_018714.3 (MANE Select); coding-DNA position 394, T replaced by C.
Protein change: p.Trp132Arg; replaces tryptophan 132 with arginine.
Molecular consequence: missense variant.
Genome position (GRCh38, 1-based): chr17:73,196,585, T>C. VCF-style: chr17-73196585-T-C. GRCh37 (hg19) VCF-style: chr17-71192724-T-C.
Other names: short protein forms W132R.
Identifiers: ClinVar variation 1371758 (VCV001371758.5), dbSNP rs569882797, ClinGen allele CA8739955.
Genomic context (GRCh38, chr17:73,196,585, plus strand): 5'-GAGAAGTTCTACAGCATGGCTGCCCAGATCAAGCTACTCTTAGAAATTCCGGAGAAGATC[T>C]GGAGCTCGATGGAAGCCTCTCAGTGTCTCCACGCCACACAGCTCTACCTGCTCTGCTGCC-3'
Protein context (NP_061184.1, residues 122-142): KLLLEIPEKI[Trp132Arg]SSMEASQCLH

ClinVar aggregate classification (germline): Uncertain significance (1 of 4 stars; one submission).

Conditions:
COG1 congenital disorder of glycosylation (CDG2G). Also called: CONGENITAL DISORDER OF GLYCOSYLATION, TYPE IIg; CDG IIg; CDGII/COG1 CEREBROCOSTOMANDIBULAR-LIKE SYNDROME. Identifiers: Orphanet 263508, MedGen C2931011, MONDO:0012637, OMIM 611209.

Allele frequency attached by ClinVar (database versions not stated): gnomAD exomes 0.00001 and 0.00003; ExAC 0.00002; gnomAD 0.00002 and 0.00003; TOPMed 0.00005; 1000 Genomes Project 30x 0.00016; 1000 Genomes Project 0.00020.
gnomAD v4.1: 15 of 1,614,208 alleles (0.00093%); highest among the groups gnomAD compares: Admixed American, 0.01%; no homozygotes.

Submission:

Labcorp Genetics (formerly Invitae), Labcorp
Classification: Uncertain significance for COG1 congenital disorder of glycosylation. Last evaluated: 2022-07-12. Review status: criteria provided, single submitter. Criteria: Invitae Variant Classification Sherloc (09022015). Collection method: clinical testing. Allele origin: germline.
Comment: This sequence change replaces tryptophan, which is neutral and slightly polar, with arginine, which is basic and polar, at codon 132 of the COG1 protein (p.Trp132Arg). In summary, the available evidence is currently insufficient to determine the role of this variant in disease. Therefore, it has been classified as a Variant of Uncertain Significance. Algorithms developed to predict the effect of missense changes on protein structure and function are either unavailable or do not agree on the potential impact of this missense change (SIFT: "Deleterious"; PolyPhen-2: "Probably Damaging"; Align-GVGD: "Class C0"). ClinVar contains an entry for this variant (Variation ID: 1371758). This variant has not been reported in the literature in individuals affected with COG1-related conditions. This variant is present in population databases (rs569882797, gnomAD 0.01%).